The following is an entry in ClinVar:

NM_153676.4(USH1C):c.777_778del (p.Glu260fs)

Gene: USH1C (USH1 protein network component harmonin; minus strand). Cytogenetic location: 11p15.1.
Variant type: Deletion.
Coding change: c.777_778del on transcript NM_153676.4 (MANE Select); coding-DNA positions 777 to 778, 2 bases deleted (CG; older notation c.777_778delCG).
Protein change: p.Glu260fs; shifts the reading frame from glutamic acid 260.
Molecular consequence: frameshift variant. On other transcripts: non-coding transcript variant (1).
Genome position (GRCh38, 1-based): chr11:17,523,460-17,523,461, CG deleted on the plus strand (CG on the coding strand, the reverse complement: USH1C is on the minus strand). VCF-style (leftmost placement, unchanged base first): chr11-17523459-TCG-T. GRCh37 (hg19) VCF-style: chr11-17545006-TCG-T.
Other names: c.777_778del, p.Glu260fs (NM_001297764.2, NM_005709.4); short protein forms E260fs.
Identifiers: ClinVar variation 3601020 (VCV003601020.1).

ClinVar aggregate classification (germline): Pathogenic (1 of 4 stars; one submission).

Conditions:
Usher syndrome type 1C. Also called: USHER SYNDROME, TYPE I, ACADIAN VARIETY. Identifiers: Orphanet 231169, Orphanet 886, MedGen C1848604, MONDO:0010171, OMIM 276904.

Submission:

Institute of Rare Diseases, West China Hospital, Sichuan University
Classification: Pathogenic for Usher syndrome type 1C. Last evaluated: 2025-01-09. Review status: criteria provided, single submitter. Criteria: ClinGen HL ACMG Specifications v1. Collection method: research. Allele origin: germline. Affected: yes.
Comment: PVS1;PM3_Supporting;PP4;PM2_Supporting